The following is an entry in ClinVar:

ClinVar aggregate classification (germline): Uncertain significance. Review status: criteria provided, multiple submitters, no conflicts (2 of 4 stars). 2 submissions from 2 submitters: Uncertain significance (2). Last evaluated 2022-11-19.

Conditions:
Hereditary nonpolyposis colorectal neoplasms. Identifiers: MedGen C0009405, MeSH D003123.
Hereditary cancer-predisposing syndrome. Also called: Tumor predisposition; Hereditary neoplastic syndrome; Neoplastic Syndromes, Hereditary; Hereditary Cancer Syndrome. Identifiers: Orphanet 140162, MedGen C0027672, MeSH D009386, MONDO:0015356.

Allele frequency attached by ClinVar (database versions not stated): ExAC 0.00001; gnomAD 0.00001; TOPMed 0.00001; ESP Exome Variant Server 0.00008.

Submissions (2):

Ambry Genetics
Classification: Uncertain significance for Hereditary cancer-predisposing syndrome. Last evaluated: 2022-11-19. Review status: criteria provided, single submitter. Criteria: Ambry Variant Classification Scheme 2023. Collection method: clinical testing. Allele origin: germline.
Comment: The p.H634N variant (also known as c.1900C>A), located in coding exon 11 of the PMS2 gene, results from a C to A substitution at nucleotide position 1900. The histidine at codon 634 is replaced by asparagine, an amino acid with similar properties. This amino acid position is conserved. In addition, this alteration is predicted to be tolerated by in silico analysis. Since supporting evidence is limited at this time, the clinical significance of this alteration remains unclear.

Labcorp Genetics (formerly Invitae), Labcorp
Classification: Uncertain significance for Hereditary nonpolyposis colorectal neoplasms. Last evaluated: 2021-12-26. Review status: criteria provided, single submitter. Criteria: Invitae Variant Classification Sherloc (09022015). Collection method: clinical testing. Allele origin: germline.
Comment: In summary, the available evidence is currently insufficient to determine the role of this variant in disease. Therefore, it has been classified as a Variant of Uncertain Significance. This sequence change replaces histidine, which is basic and polar, with asparagine, which is neutral and polar, at codon 634 of the PMS2 protein (p.His634Asn). This variant is not present in population databases (gnomAD no frequency). This variant has not been reported in the literature in individuals affected with PMS2-related conditions. Advanced modeling of protein sequence and biophysical properties (such as structural, functional, and spatial information, amino acid conservation, physicochemical variation, residue mobility, and thermodynamic stability) performed at Invitae indicates that this missense variant is not expected to disrupt PMS2 protein function.

NM_000535.7(PMS2):c.1900C>A (p.His634Asn)

Gene: PMS2 (PMS1 homolog 2, mismatch repair system component; minus strand). Cytogenetic location: 7p22.1.
Variant type: single nucleotide variant.
Coding change: c.1900C>A on transcript NM_000535.7 (MANE Select); coding-DNA position 1900, C replaced by A.
Protein change: p.His634Asn; replaces histidine 634 with asparagine.
Molecular consequence: missense variant. On other transcripts: non-coding transcript variant (1).
Genome position (GRCh38, 1-based): chr7:5,986,865, G>T on the plus strand (C>A on the coding strand, the complement: PMS2 is on the minus strand). VCF-style: chr7-5986865-G-T. GRCh37 (hg19) VCF-style: chr7-6026496-G-T.
Other names: c.1495C>A, p.His499Asn (NM_001018040.1, NM_001322003.2, NM_001322004.2 and 17 more transcripts); c.1744C>A, p.His582Asn (NM_001322006.2, NM_001406870.1); c.1582C>A, p.His528Asn (NM_001322007.2, NM_001322008.2, NM_001406876.1 and 2 more transcripts); c.1339C>A, p.His447Asn (NM_001322010.2, NM_001406906.1, NM_001406907.1); c.967C>A, p.His323Asn (NM_001322011.2, NM_001322012.2); c.1327C>A, p.His443Asn (NM_001322013.2, NM_001406909.1); c.1900C>A, p.His634Asn (NM_001322014.2, NM_001406871.1, NM_001406872.1); c.1591C>A, p.His531Asn (NM_001322015.2, NM_001406875.1, NM_001406877.1 and 5 more transcripts); and 12 more; short protein forms H377N, H479N, H526N, H568N, H642N, H323N, H463N, H476N.
Identifiers: ClinVar variation 2061303 (VCV002061303.6), dbSNP rs144489994, ClinGen allele CA045786.